The following is an entry in ClinVar:

ClinVar aggregate classification (germline): Uncertain significance. Review status: criteria provided, multiple submitters, no conflicts (2 of 4 stars). 2 submissions from 2 submitters: Uncertain significance (2). Last evaluated 2026-05-27.

Conditions:
Hereditary breast ovarian cancer syndrome. Also called: Hereditary breast and ovarian cancer; Hereditary breast and ovarian cancer syndrome (HBOC); Hereditary breast and/or ovarian cancer syndrome; Breast and ovarian cancer; BRCA1- and BRCA2-Associated Hereditary Breast and Ovarian Cancer; Hereditary breast and ovarian cancer syndrome. Identifiers: Orphanet 145, MedGen C0677776, MeSH D061325, MONDO:0003582. Disease mechanism: loss of function.
Hereditary cancer-predisposing syndrome. Also called: Tumor predisposition; Neoplastic Syndromes, Hereditary; Hereditary neoplastic syndrome; Hereditary Cancer Syndrome. Identifiers: Orphanet 140162, MedGen C0027672, MeSH D009386, MONDO:0015356.

gnomAD v4.1: 3 of 1,601,910 alleles (0.00019%); highest among the groups gnomAD compares: African/African-American, 0.0027%; no homozygotes.

Submissions (2):

Ambry Genetics
Classification: Uncertain significance for Hereditary cancer-predisposing syndrome. Last evaluated: 2026-05-27. Review status: criteria provided, single submitter. Criteria: Ambry Variant Classification Scheme 2023. Collection method: clinical testing. Allele origin: germline.
Comment: The p.G173S variant (also known as c.517G>A) is located in coding exon 6 of the BRCA2 gene. The glycine at codon 173 is replaced by serine, an amino acid with similar properties. This change occurs in the first base pair of coding exon 6. This amino acid position is conserved on limited sequence alignment. This nucleotide position is well conserved in available vertebrate species. As a missense, this alteration is predicted to be tolerated by in silico analysis. In silico splice site analysis predicts that this alteration may weaken the native splice acceptor site. RNA studies have demonstrated that this variant results in an incomplete splice defect; the clinical impact of this abnormal splicing is unknown at this time (Ambry internal data). Based on the available evidence, the clinical significance of this variant remains unclear.

Labcorp Genetics (formerly Invitae), Labcorp
Classification: Uncertain significance for Hereditary breast ovarian cancer syndrome. Last evaluated: 2022-05-05. Review status: criteria provided, single submitter. Criteria: Invitae Variant Classification Sherloc (09022015). Collection method: clinical testing. Allele origin: germline.
Comment: This sequence change replaces glycine, which is neutral and non-polar, with serine, which is neutral and polar, at codon 173 of the BRCA2 protein (p.Gly173Ser). This variant is not present in population databases (gnomAD no frequency). This variant has not been reported in the literature in individuals affected with BRCA2-related conditions. ClinVar contains an entry for this variant (Variation ID: 844117). Algorithms developed to predict the effect of missense changes on protein structure and function are either unavailable or do not agree on the potential impact of this missense change (SIFT: "Tolerated"; PolyPhen-2: "Possibly Damaging"; Align-GVGD: "Class C0"). Algorithms developed to predict the effect of sequence changes on RNA splicing suggest that this variant may disrupt the consensus splice site. In summary, the available evidence is currently insufficient to determine the role of this variant in disease. Therefore, it has been classified as a Variant of Uncertain Significance.

NM_000059.4(BRCA2):c.517G>A (p.Gly173Ser)

Gene: BRCA2 (BRCA2 DNA repair associated; plus strand). Cytogenetic location: 13q13.1.
Variant type: single nucleotide variant.
Coding change: c.517G>A on transcript NM_000059.4 (MANE Select); coding-DNA position 517, G replaced by A.
Protein change: p.Gly173Ser; replaces glycine 173 with serine.
Molecular consequence: missense variant.
Genome position (GRCh38, 1-based): chr13:32,326,499, G>A. VCF-style: chr13-32326499-G-A. GRCh37 (hg19) VCF-style: chr13-32900636-G-A.
Other names: short protein forms G173S.
Identifiers: ClinVar variation 844117 (VCV000844117.7), dbSNP rs397507768, ClinGen allele CA387757774.
Genomic context (GRCh38, chr13:32,326,499, plus strand): 5'-ATAATATCCTTAATGATCAGGGCATTTCTATAAAAAATAAACTATTTTCTTTCCTCCCAG[G>A]GTCGTCAGACACCAAAACATATTTCTGAAAGTCTAGGAGCTGAGGTGGATCCTGATATGT-3'
Protein context (NP_000050.3, residues 163-183): SLFHTPKFVK[Gly173Ser]RQTPKHISES